The following is an entry in ClinVar:

ClinVar aggregate classification (germline): Uncertain significance (1 of 4 stars; one submission).

Conditions:
Evans syndrome, immunodeficiency, and premature immunosenescence associated with tripeptidyl-peptidase II deficiency. Identifiers: MedGen CN231723. Disease mechanism: loss of function.

Allele frequency attached by ClinVar (database versions not stated): gnomAD 0.00001; TOPMed 0.00001; ExAC 0.00002; gnomAD exomes 0.00002.
gnomAD v4.1: 28 of 1,602,250 alleles (0.0017%); highest among the groups gnomAD compares: Non-Finnish European, 0.0023%; no homozygotes.

Submission:

Labcorp Genetics (formerly Invitae), Labcorp
Classification: Uncertain significance for Evans syndrome, immunodeficiency, and premature immunosenescence associated with tripeptidyl-peptidase II deficiency. Last evaluated: 2025-04-03. Review status: criteria provided, single submitter. Criteria: Invitae Variant Classification Sherloc (09022015). Collection method: clinical testing. Allele origin: germline.
Comment: This sequence change replaces histidine, which is basic and polar, with arginine, which is basic and polar, at codon 609 of the TPP2 protein (p.His609Arg). This variant is present in population databases (rs777481996, gnomAD 0.004%). This variant has not been reported in the literature in individuals affected with TPP2-related conditions. ClinVar contains an entry for this variant (Variation ID: 841394). An algorithm developed to predict the effect of missense changes on protein structure and function (PolyPhen-2) suggests that this variant is likely to be disruptive. In summary, the available evidence is currently insufficient to determine the role of this variant in disease. Therefore, it has been classified as a Variant of Uncertain Significance.

NM_001330588.2(TPP2):c.1826A>G (p.His609Arg)

Gene: TPP2 (tripeptidyl peptidase 2; plus strand). Cytogenetic location: 13q33.1.
Variant type: single nucleotide variant.
Coding change: c.1826A>G on transcript NM_001330588.2 (MANE Select); coding-DNA position 1826, A replaced by G.
Protein change: p.His609Arg; replaces histidine 609 with arginine.
Molecular consequence: missense variant. On other transcripts: non-coding transcript variant (1).
Genome position (GRCh38, 1-based): chr13:102,637,229, A>G. VCF-style: chr13-102637229-A-G. GRCh37 (hg19) VCF-style: chr13-103289579-A-G.
Other names: c.1826A>G, p.His609Arg (NM_001367947.1, NM_003291.4); short protein forms H609R.
Identifiers: ClinVar variation 841394 (VCV000841394.8), dbSNP rs777481996, ClinGen allele CA7037828.
Genomic context (GRCh38, chr13:102,637,229, plus strand): 5'-TGAATCAATGTAGACACATAAACATACGTGTGGATCCCAGGGGCTTAAGAGAAGGATTGC[A>G]TTATACAGAGGTATTGATGTATCTTCATTTTTACTTTCTTCACTCTTTAAAATGTTTAAA-3'
Protein context (NP_001317517.1, residues 599-619): VDPRGLREGL[His609Arg]YTEVCGYDIA